The following is an entry in ClinVar:

ClinVar aggregate classification (germline): Likely pathogenic. Review status: criteria provided, multiple submitters, no conflicts (2 of 4 stars). 2 submissions from 2 submitters: Likely pathogenic (2). Last evaluated 2024-12-23.

Conditions:
Cardiovascular phenotype. Identifiers: MedGen CN230736.
Dilated cardiomyopathy 1G (CMD1G). Identifiers: Orphanet 154, MedGen C1858763, MONDO:0011400, OMIM 604145.
Autosomal recessive limb-girdle muscular dystrophy type 2J (LGMDR10). Also called: MUSCULAR DYSTROPHY, LIMB-GIRDLE, AUTOSOMAL RECESSIVE 10; Limb-girdle muscular dystrophy, type 2J. Identifiers: Orphanet 140922, MedGen C1837342, MONDO:0012127, OMIM 608807.

Allele frequency attached by ClinVar (database versions not stated): gnomAD exomes below 0.00001.

Submissions (2):

Ambry Genetics
Classification: Likely pathogenic for Cardiovascular phenotype. Last evaluated: 2024-12-23. Review status: criteria provided, single submitter. Criteria: Ambry Variant Classification Scheme 2023. Collection method: clinical testing. Allele origin: germline.
Comment: The c.66446delC variant, located in coding exon 166 of the TTN gene, results from a deletion of one nucleotide at nucleotide position 66446, causing a translational frameshift with a predicted alternate stop codon (p.T22149Mfs*12). This exon is located in the A-band region of the N2-B isoform of the titin protein and is constitutively expressed in TTN transcripts (percent spliced in or PSI 100%). This alteration is expected to result in loss of function by premature protein truncation or nonsense-mediated mRNA decay. While truncating variants in TTN are present in 1-3% of the general population, truncating variants in the A-band are the most common cause of dilated cardiomyopathy (DCM) (Herman DS et al. N. Engl. J. Med., 2012 Feb;366:619-28; Roberts AM et al. Sci Transl Med, 2015 Jan;7:270ra6). TTN truncating variants encoded in constitutive exons (PSI >90%) have been found to be significantly associated with DCM regardless of their position in titin (Schafer S et al. Nat. Genet., 2017 01;49:46-53). This variant is considered to be rare based on population cohorts in the Genome Aggregation Database (gnomAD). Based on the majority of available evidence to date, this variant is likely to be pathogenic.

Labcorp Genetics (formerly Invitae), Labcorp
Classification: Likely pathogenic for Dilated cardiomyopathy 1G; Autosomal recessive limb-girdle muscular dystrophy type 2J. Last evaluated: 2023-04-28. Review status: criteria provided, single submitter. Criteria: Invitae Variant Classification Sherloc (09022015). Collection method: clinical testing. Allele origin: germline.
Comment: This sequence change creates a premature translational stop signal (p.Thr31214Metfs*12) in the TTN gene. While this is not anticipated to result in nonsense mediated decay, it is expected to create a truncated TTN protein. This variant is not present in population databases (gnomAD no frequency). This variant has not been reported in the literature in individuals affected with TTN-related conditions. ClinVar contains an entry for this variant (Variation ID: 2135357). This variant is located in the A band of TTN (PMID: 25589632). Truncating variants in this region are significantly overrepresented in patients affected with dilated cardiomyopathy (PMID: 25589632). Truncating variants in this region have also been reported in individuals affected with autosomal recessive centronuclear myopathy (PMID: 23975875). In summary, the currently available evidence indicates that the variant is pathogenic, but additional data are needed to prove that conclusively. Therefore, this variant has been classified as Likely Pathogenic.

Literature cited by the submitters: PubMed 25589632 (cited by Labcorp Genetics (formerly Invitae), Labcorp); PubMed 23975875 (cited by Labcorp Genetics (formerly Invitae), Labcorp).

NM_001267550.2(TTN):c.93641del (p.Thr31214fs)

Genes: TTN-AS1 (TTN antisense RNA 1; plus strand), TTN (titin; minus strand). Cytogenetic location: 2q31.2.
Variant type: Deletion.
Coding change: c.93641del on transcript NM_001267550.2 (MANE Select); coding-DNA position 93641, one base deleted (C; older notation c.93641delC).
Protein change: p.Thr31214fs; shifts the reading frame from threonine 31214.
Molecular consequence: frameshift variant.
Genome position (GRCh38, 1-based): chr2:178,547,985, G deleted on the plus strand (C on the coding strand, the reverse complement: TTN is on the minus strand). VCF-style (leftmost placement, unchanged base first): chr2-178547984-AG-A. GRCh37 (hg19) VCF-style: chr2-179412711-AG-A.
Other names: c.66446delC (NM_003319.4); c.88718del, p.Thr29573fs (NM_001256850.1); c.66446del, p.Thr22149fs (NM_003319.4); c.85937del, p.Thr28646fs (NM_133378.4); c.66821del, p.Thr22274fs (NM_133432.3); c.67022del, p.Thr22341fs (NM_133437.4); short protein forms T22274fs, T22341fs, T31214fs, T22149fs, T28646fs, T29573fs.
Identifiers: ClinVar variation 2135357 (VCV002135357.4), dbSNP rs2469112296, ClinGen allele CA2580064595.